The following is an entry in ClinVar:

NM_002691.4(POLD1):c.794G>A (p.Trp265Ter)

Gene: POLD1 (DNA polymerase delta 1, catalytic subunit; plus strand). Cytogenetic location: 19q13.33.
Variant type: single nucleotide variant.
Coding change: c.794G>A on transcript NM_002691.4 (MANE Select); coding-DNA position 794, G replaced by A.
Protein change: p.Trp265Ter; replaces tryptophan 265 with a stop codon.
Molecular consequence: nonsense. On other transcripts: non-coding transcript variant (1).
Genome position (GRCh38, 1-based): chr19:50,402,489, G>A. VCF-style: chr19-50402489-G-A. GRCh37 (hg19) VCF-style: chr19-50905746-G-A.
Other names: c.794G>A (NM_002691.2); c.794G>A, p.Trp265Ter (NM_001256849.1, NM_001308632.1); short protein forms W265*.
Identifiers: ClinVar variation 1907651 (VCV001907651.6), dbSNP rs2513966244, ClinGen allele CA406974933.

ClinVar aggregate classification (germline): Uncertain significance. Review status: criteria provided, multiple submitters, no conflicts (2 of 4 stars). 2 submissions from 2 submitters: Uncertain significance (2). Last evaluated 2026-01-13.

Conditions:
Hereditary cancer-predisposing syndrome. Also called: Tumor predisposition; Hereditary Cancer Syndrome; Hereditary neoplastic syndrome; Neoplastic Syndromes, Hereditary. Identifiers: Orphanet 140162, MedGen C0027672, MeSH D009386, MONDO:0015356.
POLD1-related polyposis and colorectal cancer syndrome (CRCS10). Also called: Colorectal cancer 10; COLORECTAL CANCER, SUSCEPTIBILITY TO, ON CHROMOSOME 19q; Colorectal cancer, susceptibility to, 10. Identifiers: Orphanet 220460, MedGen C2675481, MONDO:0012953, OMIM 612591.

Allele frequency attached by ClinVar (database versions not stated): gnomAD exomes below 0.00001.
gnomAD v4.1: 1 of 1,611,790 alleles (0.000062%); highest among the groups gnomAD compares: Non-Finnish European, 0.000085%; no homozygotes.

Submissions (2):

Ambry Genetics
Classification: Uncertain significance for Hereditary cancer-predisposing syndrome. Last evaluated: 2026-01-13. Review status: criteria provided, single submitter. Criteria: Ambry Variant Classification Scheme 2023. Collection method: clinical testing. Allele origin: germline.
Comment: The p.W265* variant (also known as c.794G>A), located in coding exon 6 of the POLD1 gene, results from a G to A substitution at nucleotide position 794. This changes the amino acid from a tryptophan to a stop codon within coding exon 6. This alteration is expected to result in loss of function by premature protein truncation or nonsense-mediated mRNA decay. However, loss of function has not been established as a mechanism of disease. Based on the available evidence, the clinical significance of this alteration remains unclear.

Labcorp Genetics (formerly Invitae), Labcorp
Classification: Uncertain significance for POLD1-related polyposis and colorectal cancer syndrome. Last evaluated: 2022-06-01. Review status: criteria provided, single submitter. Criteria: Invitae Variant Classification Sherloc (09022015). Collection method: clinical testing. Allele origin: germline.
Comment: In summary, the available evidence is currently insufficient to determine the role of this variant in disease. Therefore, it has been classified as a Variant of Uncertain Significance. This variant has not been reported in the literature in individuals affected with POLD1-related conditions. This variant is not present in population databases (gnomAD no frequency). This sequence change creates a premature translational stop signal (p.Trp265*) in the POLD1 gene. Missense variants that disrupt the 3'-5' exonuclease (proof-reading) activity of the POLD1 protein are associated with an increased risk for colonic adenomatous polyps and colon cancer (PMID: 23263490, 23447401). However, loss-of-function variants that result in an absent or severely disrupted POLD1 protein, and missense variants outside the exonuclease domain, are unlikely to be associated with polyposis or colon cancer.

Literature cited by the submitters: PubMed 23263490 (cited by Labcorp Genetics (formerly Invitae), Labcorp); PubMed 23447401 (cited by Labcorp Genetics (formerly Invitae), Labcorp).